The following is an entry in ClinVar:

NM_014319.5(LEMD3):c.611G>T (p.Gly204Val)

Gene: LEMD3 (LEM domain containing 3; plus strand). Cytogenetic location: 12q14.3.
Variant type: single nucleotide variant.
Coding change: c.611G>T on transcript NM_014319.5 (MANE Select); coding-DNA position 611, G replaced by T.
Protein change: p.Gly204Val; replaces glycine 204 with valine.
Molecular consequence: missense variant.
Genome position (GRCh38, 1-based): chr12:65,170,207, G>T. VCF-style: chr12-65170207-G-T. GRCh37 (hg19) VCF-style: chr12-65563987-G-T.
Other names: c.611G>T, p.Gly204Val (NM_001167614.2); short protein forms G204V.
Identifiers: ClinVar variation 2989637 (VCV002989637.3), dbSNP rs937378722, ClinGen allele CA238907703.

ClinVar aggregate classification (germline): Uncertain significance (1 of 4 stars; one submission).

Submission:

Labcorp Genetics (formerly Invitae), Labcorp
Classification: Uncertain significance. Last evaluated: 2023-07-10. Review status: criteria provided, single submitter. Criteria: Invitae Variant Classification Sherloc (09022015). Collection method: clinical testing. Allele origin: germline.
Comment: This sequence change replaces glycine, which is neutral and non-polar, with valine, which is neutral and non-polar, at codon 204 of the LEMD3 protein (p.Gly204Val). In summary, the available evidence is currently insufficient to determine the role of this variant in disease. Therefore, it has been classified as a Variant of Uncertain Significance. Advanced modeling of protein sequence and biophysical properties (such as structural, functional, and spatial information, amino acid conservation, physicochemical variation, residue mobility, and thermodynamic stability) performed at Invitae indicates that this missense variant is not expected to disrupt LEMD3 protein function. This variant has not been reported in the literature in individuals affected with LEMD3-related conditions. The frequency data for this variant in the population databases is considered unreliable, as metrics indicate poor data quality at this position in the gnomAD database.